The following is an entry in ClinVar:

NM_001243133.2(NLRP3):c.3022T>C (p.Phe1008Leu)

Gene: NLRP3 (NLR family pyrin domain containing 3; plus strand). Cytogenetic location: 1q44.
Variant type: single nucleotide variant.
Coding change: c.3022T>C on transcript NM_001243133.2 (MANE Select); coding-DNA position 3022, T replaced by C.
Protein change: p.Phe1008Leu; replaces phenylalanine 1008 with leucine.
Molecular consequence: missense variant.
Genome position (GRCh38, 1-based): chr1:247,448,421, T>C. VCF-style: chr1-247448421-T-C. GRCh37 (hg19) VCF-style: chr1-247611723-T-C.
Other names: c.3022T>C, p.Phe1008Leu (NM_001079821.3); c.2851T>C, p.Phe951Leu (NM_001127461.3, NM_001127462.3); c.3028T>C, p.Phe1010Leu (NM_004895.5); c.2680T>C, p.Phe894Leu (NM_183395.3); short protein forms F1010L, F1008L, F894L, F951L.
Identifiers: ClinVar variation 3677561 (VCV003677561.2).

ClinVar aggregate classification (germline): Uncertain significance (1 of 4 stars; one submission).

Conditions:
Cryopyrin associated periodic syndrome (CAPS). Identifiers: Orphanet 208650, MedGen C2316212, MONDO:0016168.

gnomAD v4.1: 3 of 1,609,068 alleles (0.00019%); highest among the groups gnomAD compares: Non-Finnish European, 0.00026%; no homozygotes.

Submission:

Labcorp Genetics (formerly Invitae), Labcorp
Classification: Uncertain significance for Cryopyrin associated periodic syndrome. Last evaluated: 2024-07-26. Review status: criteria provided, single submitter. Criteria: Invitae Variant Classification Sherloc (09022015). Collection method: clinical testing. Allele origin: germline.
Comment: This sequence change replaces phenylalanine, which is neutral and non-polar, with leucine, which is neutral and non-polar, at codon 1010 of the NLRP3 protein (p.Phe1010Leu). This variant is not present in population databases (gnomAD no frequency). This variant has not been reported in the literature in individuals affected with NLRP3-related conditions. Advanced modeling of protein sequence and biophysical properties (such as structural, functional, and spatial information, amino acid conservation, physicochemical variation, residue mobility, and thermodynamic stability) performed at Invitae indicates that this missense variant is not expected to disrupt NLRP3 protein function with a negative predictive value of 95%. In summary, the available evidence is currently insufficient to determine the role of this variant in disease. Therefore, it has been classified as a Variant of Uncertain Significance.